The following is an entry in ClinVar:

ClinVar aggregate classification (germline): Uncertain significance (1 of 4 stars; one submission).

Allele frequency attached by ClinVar (database versions not stated): gnomAD exomes below 0.00001.
gnomAD v4.1: 1 of 1,614,170 alleles (0.000062%); highest among the groups gnomAD compares: African/African-American, 0.0013%; no homozygotes.

Submission:

Labcorp Genetics (formerly Invitae), Labcorp
Classification: Uncertain significance. Last evaluated: 2024-03-14. Review status: criteria provided, single submitter. Criteria: Invitae Variant Classification Sherloc (09022015). Collection method: clinical testing. Allele origin: germline.
Comment: This sequence change replaces lysine, which is basic and polar, with arginine, which is basic and polar, at codon 560 of the KLHL7 protein (p.Lys560Arg). This variant is not present in population databases (gnomAD no frequency). This variant has not been reported in the literature in individuals affected with KLHL7-related conditions. ClinVar contains an entry for this variant (Variation ID: 1716186). An algorithm developed to predict the effect of missense changes on protein structure and function (PolyPhen-2) suggests that this variant is likely to be tolerated. In summary, the available evidence is currently insufficient to determine the role of this variant in disease. Therefore, it has been classified as a Variant of Uncertain Significance.

NM_001031710.3(KLHL7):c.1679A>G (p.Lys560Arg)

Gene: KLHL7 (kelch like family member 7; plus strand). Cytogenetic location: 7p15.3.
Variant type: single nucleotide variant.
Coding change: c.1679A>G on transcript NM_001031710.3 (MANE Select); coding-DNA position 1679, A replaced by G.
Protein change: p.Lys560Arg; replaces lysine 560 with arginine.
Molecular consequence: missense variant. On other transcripts: non-coding transcript variant (1).
Genome position (GRCh38, 1-based): chr7:23,174,216, A>G. VCF-style: chr7-23174216-A-G. GRCh37 (hg19) VCF-style: chr7-23213835-A-G.
Other names: c.1535A>G, p.Lys512Arg (NM_018846.5); short protein forms K512R, K560R.
Identifiers: ClinVar variation 1716186 (VCV001716186.5), dbSNP rs2534943557, ClinGen allele CA366982800.